The following is an entry in ClinVar:

ClinVar aggregate classification (germline): Uncertain significance (1 of 4 stars; one submission).

Conditions:
Intellectual developmental disorder, autosomal dominant 1. Also called: MBD5 Haploinsufficiency; Intellectual disability, autosomal dominant 1. Identifiers: Orphanet 228402, MedGen C1969562, MONDO:0007974, OMIM 156200.

Submission:

Labcorp Genetics (formerly Invitae), Labcorp
Classification: Uncertain significance for Intellectual developmental disorder, autosomal dominant 1. Last evaluated: 2024-11-26. Review status: criteria provided, single submitter. Criteria: Invitae Variant Classification Sherloc (09022015). Collection method: clinical testing. Allele origin: germline.
Comment: This sequence change replaces proline, which is neutral and non-polar, with serine, which is neutral and polar, at codon 410 of the MBD5 protein (p.Pro410Ser). This variant is not present in population databases (gnomAD no frequency). This variant has not been reported in the literature in individuals affected with MBD5-related conditions. Invitae Evidence Modeling of protein sequence and biophysical properties (such as structural, functional, and spatial information, amino acid conservation, physicochemical variation, residue mobility, and thermodynamic stability) has been performed for this missense variant. However, the output from this modeling did not meet the statistical confidence thresholds required to predict the impact of this variant on MBD5 protein function. In summary, the available evidence is currently insufficient to determine the role of this variant in disease. Therefore, it has been classified as a Variant of Uncertain Significance.

NM_001378120.1(MBD5):c.1228C>T (p.Pro410Ser)

Gene: MBD5 (methyl-CpG binding domain protein 5; plus strand). Cytogenetic location: 2q23.1.
Variant type: single nucleotide variant.
Coding change: c.1228C>T on transcript NM_001378120.1 (MANE Select); coding-DNA position 1228, C replaced by T.
Protein change: p.Pro410Ser; replaces proline 410 with serine.
Molecular consequence: missense variant.
Genome position (GRCh38, 1-based): chr2:148,469,171, C>T. VCF-style: chr2-148469171-C-T. GRCh37 (hg19) VCF-style: chr2-149226740-C-T.
Other names: c.1228C>T, p.Pro410Ser (NM_018328.5); short protein forms P410S.
Identifiers: ClinVar variation 3666547 (VCV003666547.2).